The following is an entry in ClinVar:

ClinVar aggregate classification (germline): Uncertain significance. Review status: criteria provided, multiple submitters, no conflicts (2 of 4 stars). 2 submissions from 2 submitters: Uncertain significance (2). Last evaluated 2025-06-01.

Allele frequency attached by ClinVar (database versions not stated): gnomAD 0.00001; TOPMed 0.00002; ExAC 0.00006; ESP Exome Variant Server 0.00008; 1000 Genomes Project 0.00020; 1000 Genomes Project 30x 0.00031.
gnomAD v4.1: 41 of 1,614,112 alleles (0.0025%); highest among the groups gnomAD compares: South Asian, 0.018%; no homozygotes.

Submissions (2):

Labcorp Genetics (formerly Invitae), Labcorp
Classification: Uncertain significance. Last evaluated: 2025-06-01. Review status: criteria provided, single submitter. Criteria: Invitae Variant Classification Sherloc (09022015). Collection method: clinical testing. Allele origin: germline.
Comment: This sequence change replaces glutamic acid, which is acidic and polar, with lysine, which is basic and polar, at codon 484 of the KANK4 protein (p.Glu484Lys). This variant is present in population databases (rs142004576, gnomAD 0.02%). This variant has not been reported in the literature in individuals affected with KANK4-related conditions. ClinVar contains an entry for this variant (Variation ID: 2386434). An algorithm developed to predict the effect of missense changes on protein structure and function outputs the following: PolyPhen-2: "Benign". The lysine amino acid residue is found in multiple mammalian species, which suggests that this missense change does not adversely affect protein function. In summary, the available evidence is currently insufficient to determine the role of this variant in disease. Therefore, it has been classified as a Variant of Uncertain Significance.

Ambry Genetics
Classification: Uncertain significance. Last evaluated: 2021-07-20. Review status: criteria provided, single submitter. Criteria: Ambry Variant Classification Scheme 2023. Collection method: clinical testing. Allele origin: germline.

NM_181712.5(KANK4):c.1450G>A (p.Glu484Lys)

Gene: KANK4 (KN motif and ankyrin repeat domains 4; minus strand). Cytogenetic location: 1p31.3.
Variant type: single nucleotide variant.
Coding change: c.1450G>A on transcript NM_181712.5 (MANE Select); coding-DNA position 1450, G replaced by A.
Protein change: p.Glu484Lys; replaces glutamic acid 484 with lysine.
Molecular consequence: missense variant. On other transcripts: intron variant (1).
Genome position (GRCh38, 1-based): chr1:62,273,654, C>T on the plus strand (G>A on the coding strand, the complement: KANK4 is on the minus strand). VCF-style: chr1-62273654-C-T. GRCh37 (hg19) VCF-style: chr1-62739326-C-T.
Other names: c.17-2065G>A (NM_001320269.2); short protein forms E484K.
Identifiers: ClinVar variation 2386434 (VCV002386434.3), dbSNP rs142004576, ClinGen allele CA884368.
Genomic context (GRCh38, chr1:62,273,654, plus strand): 5'-CTTCTTCAATCCTGAGTTCAGTGGAGAGGAAGCTATGTACAGAGGAGGTAAGGACCTGCT[C>T]GGGTCCCTGTGGCAGTGACAGCTGGGGCAGAAGCACACGTTCTGCTGGGCTCTGATTCCC-3'
Protein context (NP_859063.3, residues 474-494): LPQLSLPQGP[Glu484Lys]QVLTSSVHSF